The following is an entry in ClinVar:

ClinVar aggregate classification (germline): Likely pathogenic (0 of 4 stars; one submission).

Conditions:
Pyruvate dehydrogenase E1-alpha deficiency (PDHAD). Also called: ATAXIA, INTERMITTENT, WITH PYRUVATE DEHYDROGENASE DEFICIENCY; ATAXIA WITH LACTIC ACIDOSIS I; ATAXIA, INTERMITTENT, WITH ABNORMAL PYRUVATE METABOLISM; Ataxia, intermittent, with pyruvate dehydrogenase, or decarboxylase, deficiency. Identifiers: Orphanet 79243, MedGen C1839413, MONDO:0010717, OMIM 312170.

Submission:

PDHA1 Study Group, University Children’s Hospital, Paracelsus Medical University
Classification: Likely pathogenic for Pyruvate dehydrogenase E1-alpha deficiency. Last evaluated: 2024-10-15. Review status: no assertion criteria provided. Collection method: research. Allele origin: de novo. Affected: yes. Observed: 1 variant allele.
Comment: The NM_000284.3:c.1052A>C (p.Gln351Pro) substitution is a missense variant in PDHA1 gene. Among them, 1 case had confirmed de novo occurrence. Last literature search: July 12, 2024. This variant is absent or extremely rare in population-based cohorts in the Genome Aggregation Database (gnomAD). Individuals harboring this variant presented with clinical features compatible with PDHA1-related PDHc deficiency. In summary, this variant meets criteria to be classified as likely pathogenic (LP) for PDHA1-related PDHc deficiency based on the ACMG/AMP criteria applied: PS2, PM1, PM2, PP3 (last assessment October 15, 2024).

Literature cited by the submitters: DOI 10.1093/brain/awaf430.

NM_000284.4(PDHA1):c.1052A>C (p.Gln351Pro)

Gene: PDHA1 (pyruvate dehydrogenase E1 subunit alpha 1; plus strand). Cytogenetic location: Xp22.12.
Variant type: single nucleotide variant.
Coding change: c.1052A>C on transcript NM_000284.4 (MANE Select); coding-DNA position 1052, A replaced by C.
Protein change: p.Gln351Pro; replaces glutamine 351 with proline.
Molecular consequence: missense variant.
Genome position (GRCh38, 1-based): chrX:19,359,532, A>C. VCF-style: chrX-19359532-A-C. GRCh37 (hg19) VCF-style: chrX-19377650-A-C.
Other names: c.1166A>C, p.Gln389Pro (NM_001173454.2); c.1073A>C, p.Gln358Pro (NM_001173455.2); c.959A>C, p.Gln320Pro (NM_001173456.2); short protein forms Q320P, Q351P, Q358P, Q389P.
Identifiers: ClinVar variation 4070432 (VCV004070432.1).